The following is an entry in ClinVar:

ClinVar aggregate classification (germline): Likely pathogenic (1 of 4 stars; one submission).

Conditions:
Cardiovascular phenotype. Identifiers: MedGen CN230736.

Submission:

Ambry Genetics
Classification: Likely pathogenic for Cardiovascular phenotype. Last evaluated: 2025-10-10. Review status: criteria provided, single submitter. Criteria: Ambry Variant Classification Scheme 2023. Collection method: clinical testing. Allele origin: germline.
Comment: The c.43812delA variant, located in coding exon 153 of the TTN gene, results from a deletion of one nucleotide at nucleotide position 43812, causing a translational frameshift with a predicted alternate stop codon (p.G14605Efs*22). This exon is located in the A-band region of the N2-B isoform of the titin protein and is constitutively expressed in TTN transcripts (percent spliced in or PSI 100%). This variant was not reported in population-based cohorts in the Genome Aggregation Database (gnomAD). This variant is expected to result in loss of function by premature protein truncation or nonsense-mediated mRNA decay. While truncating variants in TTN are present in 1-3% of the general population, truncating variants in the A-band are the most common cause of dilated cardiomyopathy (Herman DS et al. N. Engl. J. Med., 2012 Feb;366:619-28; Roberts AM et al. Sci Transl Med, 2015 Jan;7:270ra6). TTN truncating variants encoded in constitutive exons (PSI >90%) have been found to be significantly associated with DCM regardless of their position in titin (Schafer S et al. Nat. Genet., 2017 01;49:46-53; Akhtar MM et al. Circ Heart Fail, 2020 Oct;13:e006832; Massier M et al. Clin Genet, 2025 Jan). As such, this alteration is classified as likely pathogenic.

NM_001267550.2(TTN):c.71007del (p.Gly23670fs)

Genes: TTN (titin; minus strand), TTN-AS1 (TTN antisense RNA 1; plus strand). Cytogenetic location: 2q31.2.
Variant type: Deletion.
Coding change: c.71007del on transcript NM_001267550.2 (MANE Select); coding-DNA position 71007, one base deleted (A; older notation c.71007delA).
Protein change: p.Gly23670fs; shifts the reading frame from glycine 23670.
Molecular consequence: frameshift variant.
Genome position (GRCh38, 1-based): chr2:178,575,125, T deleted on the plus strand (A on the coding strand, the reverse complement: TTN is on the minus strand); the first of 6 consecutive T bases (chr2:178,575,125-178,575,130); deleting any one gives the same sequence. VCF-style (leftmost placement, unchanged base first): chr2-178575124-CT-C. GRCh37 (hg19) VCF-style: chr2-179439851-CT-C.
Other names: c.43812delA (NM_003319.4); c.66084del, p.Gly22029fs (NM_001256850.1); c.43812del, p.Gly14605fs (NM_003319.4); c.63303del, p.Gly21102fs (NM_133378.4); c.44187del, p.Gly14730fs (NM_133432.3); c.44388del, p.Gly14797fs (NM_133437.4); short protein forms G14730fs, G21102fs, G23670fs, G22029fs, G14605fs, G14797fs.
Identifiers: ClinVar variation 1740164 (VCV001740164.3), dbSNP rs2468661040, ClinGen allele CA430258019.